The following is an entry in ClinVar:

NM_213599.3(ANO5):c.431_432del (p.Ala144fs)

Gene: ANO5 (anoctamin 5; plus strand). Cytogenetic location: 11p14.3.
Variant type: Deletion.
Coding change: c.431_432del on transcript NM_213599.3 (MANE Select); coding-DNA positions 431 to 432, 2 bases deleted (CT; older notation c.431_432delCT).
Protein change: p.Ala144fs; shifts the reading frame from alanine 144.
Molecular consequence: frameshift variant.
Genome position (GRCh38, 1-based): chr11:22,227,369-22,227,370, CT deleted. VCF-style (leftmost placement, unchanged base first): chr11-22227368-GCT-G. GRCh37 (hg19) VCF-style: chr11-22248914-GCT-G.
Other names: c.428_429del, p.Ala143fs (NM_001142649.2); c.389_390delCT, p.Ala130Glyfs (NM_001410963.1); c.386_387delCT, p.Ala129Glyfs (NM_001410964.1); short protein forms A144fs, A143fs.
Identifiers: ClinVar variation 2142171 (VCV002142171.7), dbSNP rs1852874979, ClinGen allele CA1957398113.

ClinVar aggregate classification (germline): Pathogenic. Review status: criteria provided, multiple submitters, no conflicts (2 of 4 stars). 2 submissions from 2 submitters: Pathogenic (2). Last evaluated 2025-12-16.

Conditions:
Autosomal recessive limb-girdle muscular dystrophy. Identifiers: Orphanet 102015, MedGen C2931907, MONDO:0015152.
Gnathodiaphyseal dysplasia (GDD). Also called: GNATHODIAPHYSEAL SCLEROSIS; OSTEOGENESIS IMPERFECTA WITH UNUSUAL SKELETAL LESIONS. Identifiers: Orphanet 53697, MedGen C1833736, MONDO:0008151, OMIM 166260.
Autosomal recessive limb-girdle muscular dystrophy type 2L (LGMDR12). Also called: Limb-Girdle Muscular Dystrophy R12 Anoctamin-5-Related (LGMD-R12); Limb-girdle muscular dystrophy, type 2L; MUSCULAR DYSTROPHY, LIMB-GIRDLE, AUTOSOMAL RECESSIVE 12. Identifiers: Orphanet 206549, MedGen C1969785, MONDO:0012652, OMIM 611307.

Allele frequency attached by ClinVar (database versions not stated): gnomAD exomes below 0.00001.

Submissions (2):

Victorian Clinical Genetics Services, Murdoch Childrens Research Institute
Classification: Pathogenic for Autosomal recessive limb-girdle muscular dystrophy. Last evaluated: 2025-12-16. Review status: criteria provided, single submitter. Criteria: ACMG Guidelines, 2015. Collection method: clinical testing. Allele origin: germline. Affected: yes.
Comment: This variant is classified as Pathogenic. Evidence in support of pathogenic classification: Variant is predicted to cause nonsense-mediated decay (NMD) and loss of protein (premature termination codon is located at least 54 nucleotides upstream of the final exon-exon junction); Variant is present in gnomAD <0.01 (v4: 6 heterozygote(s), 0 homozygote(s)); This variant has limited previous evidence of pathogenicity in an unrelated individual. This variant has been classified as pathogenic by a clinical laboratory in ClinVar; Other NMD-predicted variants comparable to the one identified in this case have very strong previous evidence for pathogenicity (DECIPHER). Additional information: This variant is heterozygous; This gene is associated with both recessive and dominant disease (OMIM); No published segregation evidence has been identified for this variant; No published functional evidence has been identified for this variant; Loss of function is a known mechanism of disease in this gene and is associated with with autosomal recessive limb girdle muscular dystrophy (MONDO:0015152), ANO5-related. The mechanism of disease for missense variants causing dominant gnathodiaphyseal dysplasia (MIM#166260) is unclear (PMID: 32112655); Variants in this gene are known to have variable expressivity. Phenotype and severity of phenotype vary greatly between affected individuals (PMID: 22402862); Inheritance information for this variant is not currently available in this individual.

Labcorp Genetics (formerly Invitae), Labcorp
Classification: Pathogenic for Autosomal recessive limb-girdle muscular dystrophy type 2L; Gnathodiaphyseal dysplasia. Last evaluated: 2022-07-27. Review status: criteria provided, single submitter. Criteria: Invitae Variant Classification Sherloc (09022015). Collection method: clinical testing. Allele origin: germline.
Comment: This variant is not present in population databases (gnomAD no frequency). This variant has not been reported in the literature in individuals affected with ANO5-related conditions. For these reasons, this variant has been classified as Pathogenic. This sequence change creates a premature translational stop signal (p.Ala144Glyfs*10) in the ANO5 gene. It is expected to result in an absent or disrupted protein product. Loss-of-function variants in ANO5 are known to be pathogenic (PMID: 21186264, 23606453, 25891276, 30919934).

Literature cited by the submitters: PubMed 22402862 (cited by Victorian Clinical Genetics Services, Murdoch Childrens Research Institute); PubMed 32112655 (cited by Victorian Clinical Genetics Services, Murdoch Childrens Research Institute); PubMed 21186264 (cited by Labcorp Genetics (formerly Invitae), Labcorp); PubMed 23606453 (cited by Labcorp Genetics (formerly Invitae), Labcorp); PubMed 25891276 (cited by Labcorp Genetics (formerly Invitae), Labcorp); PubMed 30919934 (cited by Labcorp Genetics (formerly Invitae), Labcorp).